The following is an entry in ClinVar:

ClinVar aggregate classification (germline): Likely benign (1 of 4 stars; one submission).

Conditions:
TNC-related disorder. Also called: TNC-related condition.

gnomAD v4.1: 62 of 1,613,416 alleles (0.0038%); highest among the groups gnomAD compares: Admixed American, 0.0067%; no homozygotes.

Submission:

PreventionGenetics, part of Exact Sciences
Classification: Likely benign for TNC-related condition. Last evaluated: 2026-05-29. Review status: criteria provided, single submitter. Criteria: ACMG Guidelines, 2015. Collection method: clinical testing. Allele origin: germline.
Comment: This variant is classified as likely benign based on ACMG/AMP sequence variant interpretation guidelines (Richards et al. 2015 PMID: 25741868, with internal and published modifications).

NM_002160.4(TNC):c.6336C>T (p.Asp2112=)

Gene: TNC (tenascin C; minus strand). Cytogenetic location: 9q33.1.
Variant type: single nucleotide variant.
Coding change: c.6336C>T on transcript NM_002160.4 (MANE Select); coding-DNA position 6336, C replaced by T.
Protein change: p.Asp2112=; no amino-acid change (aspartic acid 2112 retained).
Molecular consequence: synonymous variant.
Genome position (GRCh38, 1-based): chr9:115,024,132, G>A on the plus strand (C>T on the coding strand, the complement: TNC is on the minus strand). VCF-style: chr9-115024132-G-A. GRCh37 (hg19) VCF-style: chr9-117786411-G-A.
Other names: c.5790C>T, p.Asp1930= (NM_001410991.1, NM_001439083.1, NM_001439084.1 and 2 more transcripts); c.6885C>T, p.Asp2295= (NM_001439065.1, NM_001439066.1, NM_001439067.1); c.6612C>T, p.Asp2204= (NM_001439068.1, NM_001439069.1, NM_001439070.1); c.6609C>T, p.Asp2203= (NM_001439071.1); c.6339C>T, p.Asp2113= (NM_001439072.1, NM_001439073.1); c.6336C>T, p.Asp2112= (NM_001439074.1, NM_001439075.1, NM_001439076.1); c.6063C>T, p.Asp2021= (NM_001439077.1, NM_001439078.1, NM_001439079.1 and 3 more transcripts); c.5517C>T, p.Asp1839= (NM_001439087.1, NM_001439088.1); and 4 more.
Identifiers: ClinVar variation 4989306 (VCV004989306.1).